The following is an entry in ClinVar:

NM_000075.4(CDK4):c.684-5C>T

Genes: TSPAN31 (tetraspanin 31; plus strand), CDK4 (cyclin dependent kinase 4; minus strand). Cytogenetic location: 12q14.1.
Variant type: single nucleotide variant.
Coding change: c.684-5C>T on transcript NM_000075.4 (MANE Select); 5 bases into the intron before coding-DNA position 684, C replaced by T.
Molecular consequence: intron variant. On other transcripts: 3 prime UTR variant (3).
Genome position (GRCh38, 1-based): chr12:57,749,322, G>A on the plus strand (C>T on the coding strand, the complement: CDK4 is on the minus strand). VCF-style: chr12-57749322-G-A. GRCh37 (hg19) VCF-style: chr12-58143105-G-A.
Other names: c.*2032G>A (NM_001330168.2, NM_001330169.2, NM_005981.5).
Identifiers: ClinVar variation 414924 (VCV000414924.20), dbSNP rs765361338, ClinGen allele CA16614061.

ClinVar aggregate classification (germline): Likely benign. Review status: criteria provided, multiple submitters, no conflicts (2 of 4 stars). 4 submissions from 4 submitters: Likely benign (4). Last evaluated 2025-09-15.

Conditions:
Familial melanoma. Also called: Hereditary melanoma; Hereditary cutaneous melanoma. Identifiers: Orphanet 618, MedGen C1512419, MONDO:0018961.
Hereditary cancer-predisposing syndrome. Also called: Tumor predisposition; Neoplastic Syndromes, Hereditary; Hereditary neoplastic syndrome; Hereditary Cancer Syndrome. Identifiers: Orphanet 140162, MedGen C0027672, MeSH D009386, MONDO:0015356.
Melanoma, cutaneous malignant, susceptibility to, 3. Also called: Cutaneous malignant melanoma 3. Identifiers: Orphanet 618, MedGen C1836892, MONDO:0012183, OMIM 609048.

Allele frequency attached by ClinVar (database versions not stated): TOPMed below 0.00001; gnomAD 0.00001.
gnomAD v4.1: 16 of 1,614,058 alleles (0.00099%); highest among the groups gnomAD compares: African/African-American, 0.0013%; no homozygotes.

Submissions (4):

Labcorp Genetics (formerly Invitae), Labcorp
Classification: Likely benign for Familial melanoma. Last evaluated: 2025-09-15. Review status: criteria provided, single submitter. Criteria: Invitae Variant Classification Sherloc (09022015). Collection method: clinical testing. Allele origin: germline.

Myriad Genetics, Inc.
Classification: Likely benign for Melanoma, cutaneous malignant, susceptibility to, 3. Last evaluated: 2024-09-26. Review status: criteria provided, single submitter. Criteria: Myriad Autosomal Dominant, Autosomal Recessive and X-Linked Classification Criteria (2023). Collection method: clinical testing. Allele origin: unknown.
Comment: This variant is considered likely benign. This variant is intronic and is not expected to impact mRNA splicing.

Ambry Genetics
Classification: Likely benign for Hereditary cancer-predisposing syndrome. Last evaluated: 2019-04-19. Review status: criteria provided, single submitter. Criteria: Ambry Variant Classification Scheme 2023. Collection method: clinical testing. Allele origin: germline.

GeneDx
Classification: Likely benign. Last evaluated: 2019-02-11. Review status: criteria provided, single submitter. Criteria: GeneDx Variant Classification Process June 2021. Collection method: clinical testing. Allele origin: germline. Affected: yes.